The following is an entry in ClinVar:

NM_144997.7(FLCN):c.1045C>T (p.Leu349Phe)

Gene: FLCN (folliculin; minus strand). Cytogenetic location: 17p11.2.
Variant type: single nucleotide variant.
Coding change: c.1045C>T on transcript NM_144997.7 (MANE Select); coding-DNA position 1045, C replaced by T.
Protein change: p.Leu349Phe; replaces leucine 349 with phenylalanine.
Molecular consequence: missense variant.
Genome position (GRCh38, 1-based): chr17:17,219,036, G>A on the plus strand (C>T on the coding strand, the complement: FLCN is on the minus strand). VCF-style: chr17-17219036-G-A. GRCh37 (hg19) VCF-style: chr17-17122350-G-A.
Other names: c.1099C>T, p.Leu367Phe (NM_001353229.2); c.1045C>T, p.Leu349Phe (NM_001353230.2, NM_001353231.2); short protein forms L367F, L349F.
Identifiers: ClinVar variation 1514063 (VCV001514063.11), dbSNP rs2144893529, ClinGen allele CA398532663.
Genomic context (GRCh38, chr17:17,219,036, plus strand): 5'-CTCTCCTCCTGAGCTCCTGATGCGCTGTGCCCCTGCCGCCTACCTGCCTCATGTGCCGGA[G>A]GGACTTGAAGACTGGCAGCTTCCGGGGCTGCCAGCTCCCACAGCCTGAGAGAGAGGAGGA-3'
Protein context (NP_659434.2, residues 339-359): QPRKLPVFKS[Leu349Phe]RHMRQVLGAP

ClinVar aggregate classification (germline): Uncertain significance. Review status: criteria provided, multiple submitters, no conflicts (2 of 4 stars). 2 submissions from 2 submitters: Uncertain significance (2). Last evaluated 2026-01-24.

Conditions:
Birt-Hogg-Dube syndrome. Also called: Birt Hogg Dubé syndrome. Identifiers: Orphanet 122, MedGen C0346010, MONDO:0800444.
Hereditary cancer-predisposing syndrome. Also called: Neoplastic Syndromes, Hereditary; Hereditary Cancer Syndrome; Tumor predisposition; Hereditary neoplastic syndrome. Identifiers: Orphanet 140162, MedGen C0027672, MeSH D009386, MONDO:0015356.

Allele frequency attached by ClinVar (database versions not stated): gnomAD exomes below 0.00001.

Submissions (2):

Labcorp Genetics (formerly Invitae), Labcorp
Classification: Uncertain significance for Birt-Hogg-Dube syndrome. Last evaluated: 2026-01-24. Review status: criteria provided, single submitter. Criteria: Invitae Variant Classification Sherloc (09022015). Collection method: clinical testing. Allele origin: germline.
Comment: This sequence change replaces leucine, which is neutral and non-polar, with phenylalanine, which is neutral and non-polar, at codon 349 of the FLCN protein (p.Leu349Phe). This variant is not present in population databases (gnomAD no frequency). This variant has not been reported in the literature in individuals affected with FLCN-related conditions. ClinVar contains an entry for this variant (Variation ID: 1514063). Invitae Evidence Modeling of protein sequence and biophysical properties (such as structural, functional, and spatial information, amino acid conservation, physicochemical variation, residue mobility, and thermodynamic stability) indicates that this missense variant is not expected to disrupt FLCN protein function with a negative predictive value of 80%. In summary, the available evidence is currently insufficient to determine the role of this variant in disease. Therefore, it has been classified as a Variant of Uncertain Significance.

Ambry Genetics
Classification: Uncertain significance for Hereditary cancer-predisposing syndrome. Last evaluated: 2025-03-04. Review status: criteria provided, single submitter. Criteria: Ambry Variant Classification Scheme 2023. Collection method: clinical testing. Allele origin: germline.
Comment: The p.L349F variant (also known as c.1045C>T), located in coding exon 6 of the FLCN gene, results from a C to T substitution at nucleotide position 1045. The leucine at codon 349 is replaced by phenylalanine, an amino acid with highly similar properties. This amino acid position is highly conserved in available vertebrate species. In addition, this alteration is predicted to be deleterious by in silico analysis. Based on the available evidence, the clinical significance of this variant remains unclear.